The following is an entry in ClinVar:

ClinVar aggregate classification (germline): Uncertain significance (1 of 4 stars; one submission).

Submission:

GeneDx
Classification: Uncertain significance. Last evaluated: 2022-11-04. Review status: criteria provided, single submitter. Criteria: GeneDx Variant Classification Process June 2021. Collection method: clinical testing. Allele origin: germline. Affected: yes.
Comment: Frameshift variant predicted to result in protein truncation or nonsense mediated decay in a gene or region of a gene for which loss of function is not a well-established mechanism of disease; Not observed at significant frequency in large population cohorts (gnomAD); Has not been previously published as pathogenic or benign to our knowledge

NM_022575.4(VPS16):c.1798del (p.Ala600fs)

Genes: PTPRA (protein tyrosine phosphatase receptor type A; plus strand), VPS16 (VPS16 core subunit of CORVET and HOPS complexes; plus strand). Cytogenetic location: 20p13.
Variant type: Deletion.
Coding change: c.1798del on transcript NM_022575.4 (MANE Select); coding-DNA position 1798, one base deleted (G; older notation c.1798delG).
Protein change: p.Ala600fs; shifts the reading frame from alanine 600.
Molecular consequence: frameshift variant. On other transcripts: 5 prime UTR variant (1).
Genome position (GRCh38, 1-based): chr20:2,864,442, G deleted; the last of 2 consecutive G bases (chr20:2,864,441-2,864,442); deleting either gives the same sequence. VCF-style (leftmost placement, unchanged base first): chr20-2864440-TG-T. GRCh37 (hg19) VCF-style: chr20-2845086-TG-T.
Other names: c.1366del, p.Ala456fs (NM_080413.3); c.-505del (NM_002836.4); short protein forms A456fs, A600fs.
Identifiers: ClinVar variation 2501321 (VCV002501321.1), dbSNP rs2515133112, ClinGen allele CA2580614984.